The following is an entry in ClinVar:

NM_001182.5(ALDH7A1):c.993del (p.Thr332fs)

Gene: ALDH7A1 (aldehyde dehydrogenase 7 family member A1; minus strand). Cytogenetic location: 5q23.2.
Variant type: Deletion.
Coding change: c.993del on transcript NM_001182.5 (MANE Select); coding-DNA position 993, one base deleted (C; older notation c.993delC).
Protein change: p.Thr332fs; shifts the reading frame from threonine 332.
Molecular consequence: frameshift variant.
Genome position (GRCh38, 1-based): chr5:126,559,255, G deleted on the plus strand (C on the coding strand, the reverse complement: ALDH7A1 is on the minus strand); the first of 2 consecutive G bases (chr5:126,559,255-126,559,256); deleting either gives the same sequence. VCF-style (leftmost placement, unchanged base first): chr5-126559254-TG-T. GRCh37 (hg19) VCF-style: chr5-125894946-TG-T.
Other names: c.909del, p.Thr304fs (NM_001201377.2); c.993del, p.Thr332fs (NM_001202404.2); short protein forms T332fs, T304fs.
Identifiers: ClinVar variation 5006823 (VCV005006823.2).

ClinVar aggregate classification (germline): Likely pathogenic (1 of 4 stars; one submission).

Conditions:
Pyridoxine-dependent epilepsy (EPEO4). Also called: Pyridoxine-Dependent Epilepsy - ALDH7A1; PYRIDOXINE DEPENDENCY WITH SEIZURES; EPILEPSY, EARLY-ONSET, 4, VITAMIN B6-DEPENDENT; Pyridoxine-Dependent Seizures. Identifiers: Orphanet 3006, MedGen C1849508, MONDO:0009945, OMIM 266100. Disease mechanism: loss of function.

Submission:

Juno Genomics, Hangzhou Juno Genomics, Inc
Classification: Likely pathogenic for Pyridoxine-dependent epilepsy. Review status: criteria provided, single submitter. Criteria: ACMG Guidelines, 2015. Collection method: clinical testing. Allele origin: germline.
Comment: Null variant in a gene where loss of function (LOF) is a known mechanism of disease.;Absent from controls (or at extremely low frequency if recessive) in Genome Aggregation Database.